The following is an entry in ClinVar:

ClinVar aggregate classification (germline): Pathogenic (1 of 4 stars; one submission).

Submission:

GeneDx
Classification: Pathogenic. Last evaluated: 2016-11-08. Review status: criteria provided, single submitter. Criteria: GeneDx Variant Classification (06012015). Collection method: clinical testing. Allele origin: germline. Affected: yes.
Comment: The c.24318_24319insAA variant in the NEB gene has not been reported previously as a pathogenic variant nor as a benign variant, to our knowledge. The c.24318_24319insAA variant causes a frameshift starting with codon Tyrosine 8107, changes this amino acid to an Asparagine residue, and creates a premature Stop codon at position 74 of the new reading frame, denoted p.Tyr8107AsnfsX74. This variant is predicted to cause loss of normal protein function either through protein truncation or nonsense-mediated mRNA decay. The c.24318_24319insAA variant was not observed in approximately 2300 individuals of European and African American ancestry in the NHLBI Exome Sequencing Project, indicating it is not a common benign variant in these populations. We interpret c.24318_24319insAA as a pathogenic variant.

NM_001164508.2(NEB):c.24213_24214insAA (p.Tyr8072fs)

Genes: NEB (nebulin; minus strand), RIF1 (replication timing regulatory factor 1; plus strand). Cytogenetic location: 2q23.3.
Variant type: Insertion.
Coding change: c.24213_24214insAA on transcript NM_001164508.2 (MANE Select); coding-DNA positions 24213 to 24214, AA inserted.
Protein change: p.Tyr8072fs; shifts the reading frame from tyrosine 8072.
Molecular consequence: frameshift variant. On other transcripts: intron variant (1).
Genome position: GRCh38 VCF-style: chr2-151497712-A-ATT. GRCh37 (hg19) VCF-style: chr2-152354226-A-ATT.
Other names: c.24213_24214insAA, p.Tyr8072fs (NM_001164507.2); c.24318_24319insAA, p.Tyr8107fs (NM_001271208.2); c.18826-1345_18826-1344insAA (NM_004543.5); short protein forms Y8072fs, Y8107fs.
Identifiers: ClinVar variation 422612 (VCV000422612.2), dbSNP rs1064795894, ClinGen allele CA16617239.